The following is an entry in ClinVar:

ClinVar aggregate classification (germline): Uncertain significance (1 of 4 stars; one submission).

Conditions:
Cardiovascular phenotype. Identifiers: MedGen CN230736.

Allele frequency attached by ClinVar (database versions not stated): TOPMed below 0.00001.

Submission:

Ambry Genetics
Classification: Uncertain significance for Cardiovascular phenotype. Last evaluated: 2024-01-02. Review status: criteria provided, single submitter. Criteria: Ambry Variant Classification Scheme 2023. Collection method: clinical testing. Allele origin: germline.
Comment: The p.S1378Y variant (also known as c.4133C>A), located in coding exon 14 of the AKAP9 gene, results from a C to A substitution at nucleotide position 4133. The serine at codon 1378 is replaced by tyrosine, an amino acid with dissimilar properties. This amino acid position is not well conserved in available vertebrate species. In addition, this alteration is predicted to be tolerated by in silico analysis. The evidence for this gene-disease relationship is limited; therefore, the clinical significance of this alteration is unclear.

NM_005751.5(AKAP9):c.4133C>A (p.Ser1378Tyr)

Gene: AKAP9 (A-kinase anchoring protein 9; plus strand). Cytogenetic location: 7q21.2.
Variant type: single nucleotide variant.
Coding change: c.4133C>A on transcript NM_005751.5 (MANE Select); coding-DNA position 4133, C replaced by A.
Protein change: p.Ser1378Tyr; replaces serine 1378 with tyrosine.
Molecular consequence: missense variant.
Genome position (GRCh38, 1-based): chr7:92,022,994, C>A. VCF-style: chr7-92022994-C-A. GRCh37 (hg19) VCF-style: chr7-91652308-C-A.
Other names: c.4133C>A, p.Ser1378Tyr (NM_147185.3); short protein forms S1378Y.
Identifiers: ClinVar variation 3225057 (VCV003225057.1), dbSNP rs1802548589, ClinGen allele CA368128050.